The following is an entry in ClinVar:

ClinVar aggregate classification (germline): Likely benign. Review status: criteria provided, multiple submitters, no conflicts (2 of 4 stars). 3 submissions from 3 submitters: Likely benign (2). 1 of the submissions does not count toward it. Last evaluated 2024-11-30.

Conditions:
Vici syndrome (VICIS). Identifiers: Orphanet 1493, MedGen C1855772, MONDO:0009452, OMIM 242840.
EPG5-related disorder. Also called: EPG5-related condition. Identifiers: MedGen CN381528.

Allele frequency attached by ClinVar (database versions not stated): ExAC 0.00002; gnomAD 0.00002 and 0.00003; TOPMed 0.00002; gnomAD exomes 0.00003 and 0.00004; ESP Exome Variant Server 0.00008.
gnomAD v4.1: 43 of 1,613,664 alleles (0.0027%); highest among the groups gnomAD compares: Non-Finnish European, 0.0035%; no homozygotes.

Submissions (3):

Labcorp Genetics (formerly Invitae), Labcorp
Classification: Likely benign for Vici syndrome. Last evaluated: 2024-11-30. Review status: criteria provided, single submitter. Criteria: Invitae Variant Classification Sherloc (09022015). Collection method: clinical testing. Allele origin: germline.

Blueprint Genetics
Classification: Likely benign. Last evaluated: 2024-09-14. Review status: criteria provided, single submitter. Criteria: ACMG Guidelines, 2015. Collection method: clinical testing. Allele origin: germline.

PreventionGenetics, part of Exact Sciences
Classification: Likely benign for EPG5-related condition. Last evaluated: 2020-03-30. Review status: no assertion criteria provided. Collection method: clinical testing. Allele origin: germline. Not counted in ClinVar's aggregate classification.
Comment: This variant is classified as likely benign based on ACMG/AMP sequence variant interpretation guidelines (Richards et al. 2015 PMID: 25741868, with internal and published modifications).

NM_020964.3(EPG5):c.3351G>A (p.Gly1117=)

Gene: EPG5 (ectopic P-granules 5 autophagy tethering factor; minus strand). Cytogenetic location: 18q21.1.
Variant type: single nucleotide variant.
Coding change: c.3351G>A on transcript NM_020964.3 (MANE Select); coding-DNA position 3351, G replaced by A.
Protein change: p.Gly1117=; no amino-acid change (glycine 1117 retained).
Molecular consequence: synonymous variant.
Genome position (GRCh38, 1-based): chr18:45,916,471, C>T on the plus strand (G>A on the coding strand, the complement: EPG5 is on the minus strand). VCF-style: chr18-45916471-C-T. GRCh37 (hg19) VCF-style: chr18-43496436-C-T.
Other names: c.3351G>A (NM_020964.2).
Identifiers: ClinVar variation 1637438 (VCV001637438.12), dbSNP rs371129822, ClinGen allele CA8949206.